The following is an entry in ClinVar:

NM_014938.6(MLXIP):c.172C>T (p.Pro58Ser)

Genes: MLXIP (MLX interacting protein; plus strand), LOC130009029 (ATAC-STARR-seq lymphoblastoid silent region 5009; plus strand). Cytogenetic location: 12q24.31.
Variant type: single nucleotide variant.
Coding change: c.172C>T on transcript NM_014938.6 (MANE Select); coding-DNA position 172, C replaced by T.
Protein change: p.Pro58Ser; replaces proline 58 with serine.
Molecular consequence: missense variant.
Genome position (GRCh38, 1-based): chr12:122,079,025, C>T. VCF-style: chr12-122079025-C-T. GRCh37 (hg19) VCF-style: chr12-122516931-C-T.
Other names: short protein forms P58S.
Identifiers: ClinVar variation 3873624 (VCV003873624.1).

ClinVar aggregate classification (germline): Uncertain significance (1 of 4 stars; one submission).

Submission:

Ambry Genetics
Classification: Uncertain significance. Last evaluated: 2025-02-21. Review status: criteria provided, single submitter. Criteria: Ambry Variant Classification Scheme 2023. Collection method: clinical testing. Allele origin: germline.
Comment: The c.172C>T (p.P58S) alteration is located in exon (coding exon ) of the MLXIP gene. This alteration results from a C to T substitution at nucleotide position 172, causing the proline (P) at amino acid position 58 to be replaced by a serine (S). Based on insufficient or conflicting evidence, the clinical significance of this alteration remains unclear.